The following is an entry in ClinVar:

ClinVar aggregate classification (germline): Likely benign (0 of 4 stars; one submission).

Conditions:
RPS6KA3-related disorder. Also called: RPS6KA3-related condition.

Submission:

PreventionGenetics, part of Exact Sciences
Classification: Likely benign for RPS6KA3-related condition. Last evaluated: 2022-04-26. Review status: no assertion criteria provided. Collection method: clinical testing. Allele origin: germline.
Comment: This variant is classified as likely benign based on ACMG/AMP sequence variant interpretation guidelines (Richards et al. 2015 PMID: 25741868, with internal and published modifications).

NM_004586.3(RPS6KA3):c.321G>A (p.Leu107=)

Gene: RPS6KA3 (ribosomal protein S6 kinase A3; minus strand). Cytogenetic location: Xp22.12.
Variant type: single nucleotide variant.
Coding change: c.321G>A on transcript NM_004586.3 (MANE Select); coding-DNA position 321, G replaced by A.
Protein change: p.Leu107=; no amino-acid change (leucine 107 retained).
Molecular consequence: synonymous variant.
Genome position (GRCh38, 1-based): chrX:20,204,026, C>T on the plus strand (G>A on the coding strand, the complement: RPS6KA3 is on the minus strand). VCF-style: chrX-20204026-C-T. GRCh37 (hg19) VCF-style: chrX-20222144-C-T.
Identifiers: ClinVar variation 3354117 (VCV003354117.1).